The following is an entry in ClinVar:

ClinVar aggregate classification (germline): Uncertain significance (1 of 4 stars; one submission).

Conditions:
Cardiomyopathy (CMYO). Also called: Cardiomyopathies. Identifiers: Orphanet 167848, MedGen C0878544, MONDO:0004994, HP:0001638. Inheritance: Various modes of inheritance.

Submission:

Color Diagnostics, LLC DBA Color Health
Classification: Uncertain significance for Cardiomyopathy. Last evaluated: 2024-03-07. Review status: criteria provided, single submitter. Criteria: ACMG Guidelines, 2015. Collection method: clinical testing. Allele origin: germline.
Comment: This missense variant replaces threonine with lysine at codon 1102 of the DSG2 protein. Computational prediction suggests that this variant may not impact protein structure and function (internally defined REVEL score threshold <= 0.5, PMID: 27666373). To our knowledge, functional studies have not been reported for this variant. This variant has not been reported in individuals affected with cardiovascular disorders in the literature. This variant has not been identified in the general population by the Genome Aggregation Database (gnomAD). The available evidence is insufficient to determine the role of this variant in disease conclusively. Therefore, this variant is classified as a Variant of Uncertain Significance.

NM_001943.5(DSG2):c.3305C>A (p.Thr1102Lys)

Genes: DSG2 (desmoglein 2; plus strand), DSG2-AS1 (DSG2 antisense RNA 1; minus strand). Cytogenetic location: 18q12.1.
Variant type: single nucleotide variant.
Coding change: c.3305C>A on transcript NM_001943.5 (MANE Select); coding-DNA position 3305, C replaced by A.
Protein change: p.Thr1102Lys; replaces threonine 1102 with lysine.
Molecular consequence: missense variant.
Genome position (GRCh38, 1-based): chr18:31,546,691, C>A. VCF-style: chr18-31546691-C-A. GRCh37 (hg19) VCF-style: chr18-29126654-C-A.
Other names: short protein forms T1102K.
Identifiers: ClinVar variation 2775249 (VCV002775249.2), dbSNP rs2510922900, ClinGen allele CA402149350.
Genomic context (GRCh38, chr18:31,546,691, plus strand): 5'-CTGGCCCTCTGCCAGATTTTGGTTTAGAGGAATCTGGTCATTCTAATTCTACCATAACCA[C>A]ATCTTCCACCAGAGTTACCAAGCATAGCACTGTACAGCATTCTTACTCCTAAACAGCAGT-3'
Protein context (NP_001934.2, residues 1092-1112): ESGHSNSTIT[Thr1102Lys]SSTRVTKHST